The following is an entry in ClinVar:

NM_001394062.1(MACF1):c.1704A>C (p.Glu568Asp)

Gene: MACF1 (microtubule actin crosslinking factor 1; plus strand). Cytogenetic location: 1p34.3.
Variant type: single nucleotide variant.
Coding change: c.1704A>C on transcript NM_001394062.1 (MANE Select); coding-DNA position 1704, A replaced by C.
Protein change: p.Glu568Asp; replaces glutamic acid 568 with aspartic acid.
Molecular consequence: missense variant.
Genome position (GRCh38, 1-based): chr1:39,287,481, A>C. VCF-style: chr1-39287481-A-C. GRCh37 (hg19) VCF-style: chr1-39753153-A-C.
Other names: c.1719A>C, p.Glu573Asp (NM_012090.5); short protein forms E568D, E573D.
Identifiers: ClinVar variation 2886772 (VCV002886772.4), dbSNP rs560718441, ClinGen allele CA779496.

ClinVar aggregate classification (germline): Conflicting classifications of pathogenicity. Review status: criteria provided, conflicting classifications (1 of 4 stars). 2 submissions from 2 submitters: Uncertain significance (1); Likely benign (1). Last evaluated 2024-12-07.

Allele frequency attached by ClinVar (database versions not stated): gnomAD 0.00003; gnomAD exomes 0.00003; TOPMed 0.00004; ExAC 0.00009; 1000 Genomes Project 30x 0.00016; 1000 Genomes Project 0.00020.
gnomAD v4.1: 48 of 1,614,176 alleles (0.003%); highest among the groups gnomAD compares: East Asian, 0.074%; no homozygotes.

Submissions (2):

Labcorp Genetics (formerly Invitae), Labcorp
Classification: Uncertain significance. Last evaluated: 2024-12-07. Review status: criteria provided, single submitter. Criteria: Invitae Variant Classification Sherloc (09022015). Collection method: clinical testing. Allele origin: germline.
Comment: This sequence change replaces glutamic acid, which is acidic and polar, with aspartic acid, which is acidic and polar, at codon 573 of the MACF1 protein (p.Glu573Asp). This variant is present in population databases (rs560718441, gnomAD 0.07%), and has an allele count higher than expected for a pathogenic variant. This variant has not been reported in the literature in individuals affected with MACF1-related conditions. ClinVar contains an entry for this variant (Variation ID: 2886772). An algorithm developed to predict the effect of missense changes on protein structure and function (PolyPhen-2) suggests that this variant is likely to be disruptive. In summary, the available evidence is currently insufficient to determine the role of this variant in disease. Therefore, it has been classified as a Variant of Uncertain Significance.

Blueprint Genetics
Classification: Likely benign. Last evaluated: 2024-08-11. Review status: criteria provided, single submitter. Criteria: ACMG Guidelines, 2015. Collection method: clinical testing. Allele origin: germline.